The following is an entry in ClinVar:

ClinVar aggregate classification (germline): Uncertain significance (1 of 4 stars; one submission).

Allele frequency attached by ClinVar (database versions not stated): gnomAD exomes below 0.00001 and 0.00001; TOPMed below 0.00001; gnomAD 0.00001.
gnomAD v4.1: 8 of 1,614,144 alleles (0.0005%); highest among the groups gnomAD compares: East Asian, 0.0067%; no homozygotes.

Submission:

Labcorp Genetics (formerly Invitae), Labcorp
Classification: Uncertain significance. Last evaluated: 2021-11-20. Review status: criteria provided, single submitter. Criteria: Invitae Variant Classification Sherloc (09022015). Collection method: clinical testing. Allele origin: germline.
Comment: This sequence change falls in intron 18 of the NSD1 gene. It does not directly change the encoded amino acid sequence of the NSD1 protein. It affects a nucleotide within the consensus splice site. This variant is present in population databases (no rsID available, gnomAD 0.01%). This variant has not been reported in the literature in individuals affected with NSD1-related conditions. Variants that disrupt the consensus splice site are a relatively common cause of aberrant splicing (PMID: 17576681, 9536098). Algorithms developed to predict the effect of sequence changes on RNA splicing suggest that this variant is not likely to affect RNA splicing. In summary, the available evidence is currently insufficient to determine the role of this variant in disease. Therefore, it has been classified as a Variant of Uncertain Significance.

Literature cited by the submitters: PubMed 17576681; PubMed 9536098.

NM_022455.5(NSD1):c.5892+6A>G

Gene: NSD1 (nuclear receptor binding SET domain protein 1; plus strand). Cytogenetic location: 5q35.3.
Variant type: single nucleotide variant.
Coding change: c.5892+6A>G on transcript NM_022455.5 (MANE Select); 6 bases into the intron after coding-DNA position 5892, A replaced by G.
Molecular consequence: intron variant.
Genome position (GRCh38, 1-based): chr5:177,280,840, A>G. VCF-style: chr5-177280840-A-G. GRCh37 (hg19) VCF-style: chr5-176707841-A-G.
Other names: c.5892+6A>G (NM_001409301.1, NM_001409302.1, NM_001409303.1); c.5472+6A>G (NM_001409304.1); c.5139+6A>G (NM_001409305.1); c.5130+6A>G (NM_001409306.1, NM_001409307.1); c.5019+6A>G (NM_001409308.1, NM_172349.5, NM_001409309.1 and 1 more transcripts).
Identifiers: ClinVar variation 1440712 (VCV001440712.6), dbSNP rs1231700818, ClinGen allele CA564898971.